The following is an entry in ClinVar:

NM_000038.6(APC):c.2061C>G (p.Leu687=)

Gene: APC (APC regulator of Wnt signaling pathway; plus strand). Cytogenetic location: 5q22.2.
Variant type: single nucleotide variant.
Coding change: c.2061C>G on transcript NM_000038.6 (MANE Select); coding-DNA position 2061, C replaced by G.
Protein change: p.Leu687=; no amino-acid change (leucine 687 retained).
Molecular consequence: synonymous variant. On other transcripts: non-coding transcript variant (2).
Genome position (GRCh38, 1-based): chr5:112,837,655, C>G. VCF-style: chr5-112837655-C-G. GRCh37 (hg19) VCF-style: chr5-112173352-C-G.
Other names: c.1758C>G, p.Leu586= (NM_001354903.2, NM_001407458.1, NM_001407459.1 and 1 more transcripts); c.1683C>G, p.Leu561= (NM_001354904.2); c.1581C>G, p.Leu527= (NM_001354905.2); c.1212C>G, p.Leu404= (NM_001354906.2, NM_001407470.1); c.2145C>G, p.Leu715= (NM_001407446.1); c.2115C>G, p.Leu705= (NM_001407447.1, NM_001407448.1, NM_001407449.1 and 1 more transcripts); c.2061C>G, p.Leu687= (NM_001407450.1, NM_001127510.3, NM_001354895.2); c.2040C>G, p.Leu680= (NM_001407451.1); and 11 more.
Identifiers: ClinVar variation 3148480 (VCV003148480.1), dbSNP rs2149859680, ClinGen allele CA445963372.

ClinVar aggregate classification (germline): Benign (1 of 4 stars; one submission).

Conditions:
Familial adenomatous polyposis 1 (FAP1). Also called: POLYPOSIS, ADENOMATOUS INTESTINAL; FAMILIAL ADENOMATOUS POLYPOSIS 1, ATTENUATED. Identifiers: MedGen C2713442, MONDO:0021056, OMIM 175100. Disease mechanism: loss of function.

Submission:

Myriad Genetics, Inc.
Classification: Benign for Familial adenomatous polyposis 1. Last evaluated: 2024-03-08. Review status: criteria provided, single submitter. Criteria: Myriad Autosomal Dominant, Autosomal Recessive and X-Linked Classification Criteria (2023). Collection method: clinical testing. Allele origin: unknown.
Comment: This variant is considered benign. This variant is a silent/synonymous amino acid change and it is not expected to impact splicing.